The following is an entry in ClinVar:

NM_006941.4(SOX10):c.21_42dup (p.Val15fs)

Genes: POLR2F (RNA polymerase II, I and III subunit F; plus strand), SOX10 (SRY-box transcription factor 10; minus strand). Cytogenetic location: 22q13.1.
Variant type: Duplication.
Coding change: c.21_42dup on transcript NM_006941.4 (MANE Select); coding-DNA positions 21 to 42, 22 bases duplicated (ATCGGAGGTGGAGCTGAGCCCC).
Protein change: p.Val15fs; shifts the reading frame from valine 15.
Molecular consequence: frameshift variant. On other transcripts: intron variant (3).
Genome position (GRCh38, 1-based): chr22:37,983,743-37,983,764, GGGGCTCAGCTCCACCTCCGAT duplicated on the plus strand (ATCGGAGGTGGAGCTGAGCCCC on the coding strand, the reverse complement: SOX10 is on the minus strand). VCF-style (leftmost placement, unchanged base first): chr22-37983742-C-CGGGGCTCAGCTCCACCTCCGAT. GRCh37 (hg19) VCF-style: chr22-38379749-C-CGGGGCTCAGCTCCACCTCCGAT.
Other names: c.*38+11433_*38+11454dup (NM_001363825.1); c.294-2411_294-2390dup (NM_001301130.2); c.293+16573_293+16594dup (NM_001301131.2); short protein forms V15fs.
Identifiers: ClinVar variation 2771372 (VCV002771372.3), dbSNP rs2518053002, ClinGen allele CA2697552757.
Genomic context (GRCh38, chr22:37,983,742, plus strand): 5'-CGTCGGGCCCTAGCGAGGGCGCGCTCCCCGGGGACAGGCAGCGGGGCTCCTCCGAGCCCA[C>CGGGGCTCAGCTCCACCTCCGAT]GGGGCTCAGCTCCACCTCCGATAGGTCCTGCTCCTCCGCCATGTCGCCCCCGGCCGCCGC-3'

ClinVar aggregate classification (germline): Pathogenic (1 of 4 stars; one submission).

Submission:

Labcorp Genetics (formerly Invitae), Labcorp
Classification: Pathogenic. Last evaluated: 2023-10-23. Review status: criteria provided, single submitter. Criteria: Invitae Variant Classification Sherloc (09022015). Collection method: clinical testing. Allele origin: germline.
Comment: This sequence change creates a premature translational stop signal (p.Val15Ilefs*59) in the SOX10 gene. It is expected to result in an absent or disrupted protein product. Loss-of-function variants in SOX10 are known to be pathogenic (PMID: 9462749, 15004559, 21965087, 33442024). This variant is not present in population databases (gnomAD no frequency). This variant has not been reported in the literature in individuals affected with SOX10-related conditions. For these reasons, this variant has been classified as Pathogenic.

Literature cited by the submitters: PubMed 9462749; PubMed 15004559; PubMed 21965087; PubMed 33442024.